The following is an entry in ClinVar:

ClinVar aggregate classification (germline): Uncertain significance (1 of 4 stars; one submission).

Conditions:
Charcot-Marie-Tooth disease dominant intermediate C (CMTDIC). Also called: CHARCOT-MARIE-TOOTH NEUROPATHY, DOMINANT INTERMEDIATE C. Identifiers: Orphanet 100045, MedGen C1842237, MONDO:0012012, OMIM 608323.

Submission:

Labcorp Genetics (formerly Invitae), Labcorp
Classification: Uncertain significance for Charcot-Marie-Tooth disease dominant intermediate C. Last evaluated: 2024-01-08. Review status: criteria provided, single submitter. Criteria: Invitae Variant Classification Sherloc (09022015). Collection method: clinical testing. Allele origin: germline.
Comment: This variant is a gross deletion of the genomic region encompassing exon(s) 4-6 of the YARS gene. This deletion is out-of-frame, and is expected to create a premature translational stop signal and result in an absent or disrupted protein product. However, the current clinical and genetic evidence is not sufficient to establish whether loss-of-function variants in YARS cause disease. A similar copy number variant has been observed in individual(s) with clinical features of autosomal dominant YARS-related conditions (Invitae). In summary, the available evidence is currently insufficient to determine the role of this variant in disease. Therefore, it has been classified as a Variant of Uncertain Significance.

NC_000001.10:g.(?_33256743)_(33272232_?)del

Gene: YARS1 (tyrosyl-tRNA synthetase 1; minus strand). Cytogenetic location: 1p35.1.
Variant type: Deletion.
Identifiers: ClinVar variation 2424722 (VCV002424722.4).